The following is an entry in ClinVar:

ClinVar aggregate classification (germline): Likely pathogenic (1 of 4 stars; one submission).

Conditions:
Marfan syndrome (MFS). Also called: FBN1-Related Marfan Syndrome; Marfan syndrome type 1; Marfan's syndrome; Marfan syndrome, classic; MARFAN SYNDROME, TYPE I. Identifiers: Orphanet 284963, Orphanet 558, MedGen C0024796, MONDO:0007947, OMIM 154700.

Submission:

Women's Health and Genetics/Laboratory Corporation of America, LabCorp
Classification: Likely pathogenic for Marfan Syndrome. Last evaluated: 2011-08-18. Review status: criteria provided, single submitter. Criteria: LabCorp Variant Classification Summary - May 2015. Collection method: curation, clinical testing. Allele origin: germline. Inheritance: autosomal unknown. Affected: yes.
ClinVar note: Converted during submission from likely pathogenic to Likely pathogenic.

NM_000138.5(FBN1):c.4684T>A (p.Cys1562Ser)

Gene: FBN1 (fibrillin 1; minus strand). Cytogenetic location: 15q21.1.
Variant type: single nucleotide variant.
Coding change: c.4684T>A on transcript NM_000138.5 (MANE Select); coding-DNA position 4684, T replaced by A.
Protein change: p.Cys1562Ser; replaces cysteine 1562 with serine.
Molecular consequence: missense variant.
Genome position (GRCh38, 1-based): chr15:48,468,001, A>T on the plus strand (T>A on the coding strand, the complement: FBN1 is on the minus strand). VCF-style: chr15-48468001-A-T. GRCh37 (hg19) VCF-style: chr15-48760198-A-T.
Other names: short protein forms C1562S.
Identifiers: ClinVar variation 36079 (VCV000036079.3), dbSNP rs193922207, ClinGen allele CA015315.